The following is an entry in ClinVar:

NM_000048.4(ASL):c.736del (p.Ala246fs)

Gene: ASL (argininosuccinate lyase; plus strand). Cytogenetic location: 7q11.21.
Variant type: Deletion.
Coding change: c.736del on transcript NM_000048.4 (MANE Select); coding-DNA position 736, one base deleted (G; older notation c.736delG).
Protein change: p.Ala246fs; shifts the reading frame from alanine 246.
Molecular consequence: frameshift variant.
Genome position (GRCh38, 1-based): chr7:66,088,824, G deleted; the last of 3 consecutive G bases (chr7:66,088,822-66,088,824); deleting any one gives the same sequence. VCF-style (leftmost placement, unchanged base first): chr7-66088821-TG-T. GRCh37 (hg19) VCF-style: chr7-65553808-TG-T.
Other names: c.736del, p.Ala246fs (NM_001024943.2, NM_001024944.2); c.658del, p.Ala220fs (NM_001024946.2); short protein forms A220fs, A246fs.
Identifiers: ClinVar variation 1724806 (VCV001724806.2), dbSNP rs2485017251, ClinGen allele CA2580077294.

ClinVar aggregate classification (germline): Likely pathogenic (1 of 4 stars; one submission).

Conditions:
Argininosuccinate lyase deficiency. Also called: ARGININOSUCCINIC ACID LYASE DEFICIENCY; ASL DEFICIENCY; Argininosuccinic aciduria. Identifiers: Orphanet 23, MedGen C0268547, MONDO:0008815, OMIM 207900, HP:0025630.

Submission:

Myriad Genetics, Inc.
Classification: Likely pathogenic for Argininosuccinate lyase deficiency. Last evaluated: 2022-02-28. Review status: criteria provided, single submitter. Criteria: Myriad Women's Health Autosomal Recessive and X-Linked Classification Criteria (2021). Collection method: clinical testing. Allele origin: unknown.
Comment: NM_001024943.1(ASL):c.736delG(A246Lfs*5) is expected to be pathogenic in the context of argininosuccinic aciduria. This variant is predicted to lead to an abnormal or absent protein product due to the creation of a premature termination codon in ASL, a gene where loss-of-function variants are known to be pathogenic. Please note: this variant was assessed in the context of healthy population screening.